The following is an entry in ClinVar:

ClinVar aggregate classification (germline): Uncertain significance. Review status: criteria provided, multiple submitters, no conflicts (2 of 4 stars). 5 submissions from 5 submitters: Uncertain significance (5). Last evaluated 2026-02-27.

Conditions:
ABCG5-related disorder. Also called: ABCG5-related condition.
Sitosterolemia 2. Identifiers: MedGen C5231453, MONDO:0020748, OMIM 618666.

Allele frequency attached by ClinVar (database versions not stated): gnomAD 0.00002; TOPMed 0.00003.
gnomAD v4.1: 44 of 1,550,222 alleles (0.0028%); highest among the groups gnomAD compares: Middle Eastern, 0.017%; no homozygotes.

Submissions (5):

PreventionGenetics, part of Exact Sciences
Classification: Uncertain significance for ABCG5-related condition. Last evaluated: 2026-02-27. Review status: criteria provided, single submitter. Criteria: ACMG Guidelines, 2015. Collection method: clinical testing. Allele origin: germline.
Comment: The ABCG5 c.391T>C variant is predicted to result in the amino acid substitution p.Tyr131His. This variant has been reported in an individual with familial hypercholesterolemia (FH) and in a cohort study of individuals undergoing genetic testing for dyslipidemias (Reeskamp et al. 2020. PubMed ID: 32088153; Supplemental Table 4, Dron et al. 2020. PubMed ID: 32041611). This variant is reported in 0.0052% of alleles in individuals of European (non-Finnish) descent in gnomAD. An alternate missense at the same amino acid position, p.Tyr131Cys, has been reported in an individual with FH (Reeskamp et al. 2020. PubMed ID: 32088153). At this time, the clinical significance of this variant is uncertain due to the absence of conclusive functional and genetic evidence.

CeGaT Center for Human Genetics Tuebingen
Classification: Uncertain significance. Last evaluated: 2025-06-01. Review status: criteria provided, single submitter. Criteria: CeGaT Center For Human Genetics Tuebingen Variant Classification Criteria Version 2. Collection method: clinical testing. Allele origin: germline. Affected: yes. Observed: 1 variant allele.
Comment: ABCG5: PM2

Blueprint Genetics
Classification: Uncertain significance. Last evaluated: 2024-04-29. Review status: criteria provided, single submitter. Criteria: ACMG Guidelines, 2015. Collection method: clinical testing. Allele origin: germline.

GeneDx
Classification: Uncertain significance. Last evaluated: 2023-02-24. Review status: criteria provided, single submitter. Criteria: GeneDx Variant Classification Process June 2021. Collection method: clinical testing. Allele origin: germline. Affected: yes.
Comment: Not observed at significant frequency in large population cohorts (gnomAD); In silico analysis supports that this missense variant has a deleterious effect on protein structure/function; This variant is associated with the following publications: (PMID: 32088153, 32041611)

Revvity Omics, Revvity
Classification: Uncertain significance for Sitosterolemia 2. Last evaluated: 2021-04-30. Review status: criteria provided, single submitter. Criteria: ACMG Guidelines, 2015. Collection method: clinical testing. Allele origin: germline.

NM_022436.3(ABCG5):c.391T>C (p.Tyr131His)

Gene: ABCG5 (ATP binding cassette subfamily G member 5; minus strand). Cytogenetic location: 2p21.
Variant type: single nucleotide variant.
Coding change: c.391T>C on transcript NM_022436.3 (MANE Select); coding-DNA position 391, T replaced by C.
Protein change: p.Tyr131His; replaces tyrosine 131 with histidine.
Molecular consequence: missense variant.
Genome position (GRCh38, 1-based): chr2:43,831,958, A>G on the plus strand (T>C on the coding strand, the complement: ABCG5 is on the minus strand). VCF-style: chr2-43831958-A-G. GRCh37 (hg19) VCF-style: chr2-44059097-A-G.
Other names: c.391T>C (NM_022436.2); short protein forms Y131H.
Identifiers: ClinVar variation 2438780 (VCV002438780.14), dbSNP rs774845445, ClinGen allele CA1636703.